The following is an entry in ClinVar:

NM_000047.3(ARSL):c.827T>A (p.Leu276Gln)

Gene: ARSL (arylsulfatase L; minus strand). Cytogenetic location: Xp22.33.
Variant type: single nucleotide variant.
Coding change: c.827T>A on transcript NM_000047.3 (MANE Select); coding-DNA position 827, T replaced by A.
Protein change: p.Leu276Gln; replaces leucine 276 with glutamine.
Molecular consequence: missense variant.
Genome position (GRCh38, 1-based): chrX:2,949,331, A>T on the plus strand (T>A on the coding strand, the complement: ARSL is on the minus strand). VCF-style: chrX-2949331-A-T. GRCh37 (hg19) VCF-style: chrX-2867372-A-T.
Other names: c.902T>A, p.Leu301Gln (NM_001282628.2, NM_001369080.1); c.665T>A, p.Leu222Gln (NM_001282631.2); c.854T>A, p.Leu285Gln (NM_001369079.1); short protein forms L222Q, L276Q, L285Q, L301Q.
Identifiers: ClinVar variation 3623923 (VCV003623923.2).
Genomic context (GRCh38, chrX:2,949,331, plus strand): 5'-GTGCTTGGAGGAAGCTGACCCTTTTCTGCTGACCTTTTGAGAAAGGACGCAACCTCCTGC[A>T]GAATAAGGGGTGTCGTTCTTTGGAAGCACATGGGCTGCTCCGTGATGGTGTGGTTTCTCA-3'
Protein context (NP_000038.2, residues 266-286): MCFQRTTPLI[Leu276Gln]QEVASFLKRN

ClinVar aggregate classification (germline): Uncertain significance (1 of 4 stars; one submission).

Conditions:
Chondrodysplasia punctata, brachytelephalangic, autosomal. Also called: BRACHYTELEPHALANGIC CHONDRODYSPLASIA PUNCTATA. Identifiers: MedGen C1844853, MONDO:0011238, OMIM 602497.

gnomAD v4.1: 6 of 1,211,722 alleles (0.0005%); highest among the groups gnomAD compares: Non-Finnish European, 0.00067%; no homozygotes.

Submission:

Labcorp Genetics (formerly Invitae), Labcorp
Classification: Uncertain significance for Chondrodysplasia punctata, brachytelephalangic, autosomal. Last evaluated: 2025-10-02. Review status: criteria provided, single submitter. Criteria: Invitae Variant Classification Sherloc (09022015). Collection method: clinical testing. Allele origin: germline.
Comment: This sequence change replaces leucine, which is neutral and non-polar, with glutamine, which is neutral and polar, at codon 276 of the ARSE protein (p.Leu276Gln). This variant is present in population databases (rs760193495, gnomAD 0.002%). This variant has not been reported in the literature in individuals affected with ARSE-related conditions. ClinVar contains an entry for this variant (Variation ID: 3623923). Invitae Evidence Modeling of protein sequence and biophysical properties (such as structural, functional, and spatial information, amino acid conservation, physicochemical variation, residue mobility, and thermodynamic stability) has been performed for this missense variant. However, the output from this modeling did not meet the statistical confidence thresholds required to predict the impact of this variant on ARSE protein function. In summary, the available evidence is currently insufficient to determine the role of this variant in disease. Therefore, it has been classified as a Variant of Uncertain Significance.